The following is an entry in ClinVar:

NM_000051.4(ATM):c.3086C>T (p.Thr1029Ile)

Gene: ATM (ATM serine/threonine kinase; plus strand). Cytogenetic location: 11q22.3.
Variant type: single nucleotide variant.
Coding change: c.3086C>T on transcript NM_000051.4 (MANE Select); coding-DNA position 3086, C replaced by T.
Protein change: p.Thr1029Ile; replaces threonine 1029 with isoleucine.
Molecular consequence: missense variant.
Genome position (GRCh38, 1-based): chr11:108,272,540, C>T. VCF-style: chr11-108272540-C-T. GRCh37 (hg19) VCF-style: chr11-108143267-C-T.
Other names: c.3086C>T, p.Thr1029Ile (NM_001351834.2); short protein forms T1029I.
Identifiers: ClinVar variation 2568242 (VCV002568242.3), dbSNP rs2081639127, ClinGen allele CA382515025.

ClinVar aggregate classification (germline): Uncertain significance (1 of 4 stars; one submission).

Conditions:
Hereditary cancer-predisposing syndrome. Also called: Hereditary neoplastic syndrome; Hereditary Cancer Syndrome; Neoplastic Syndromes, Hereditary; Tumor predisposition. Identifiers: Orphanet 140162, MedGen C0027672, MeSH D009386, MONDO:0015356.

Submission:

Ambry Genetics
Classification: Uncertain significance for Hereditary cancer-predisposing syndrome. Last evaluated: 2025-06-05. Review status: criteria provided, single submitter. Criteria: Ambry Variant Classification Scheme 2023. Collection method: clinical testing. Allele origin: germline.
Comment: The p.T1029I variant (also known as c.3086C>T), located in coding exon 20 of the ATM gene, results from a C to T substitution at nucleotide position 3086. The threonine at codon 1029 is replaced by isoleucine, an amino acid with similar properties. This amino acid position is conserved. In addition, this alteration is predicted to be tolerated by in silico analysis. Since supporting evidence is limited at this time, the clinical significance of this alteration remains unclear.